The following is an entry in ClinVar:

ClinVar aggregate classification (germline): Uncertain significance (1 of 4 stars; one submission).

gnomAD v4.1: 3 of 1,613,948 alleles (0.00019%); highest among the groups gnomAD compares: Non-Finnish European, 0.00025%; no homozygotes.

Submission:

Ambry Genetics
Classification: Uncertain significance. Last evaluated: 2025-10-17. Review status: criteria provided, single submitter. Criteria: Ambry Variant Classification Scheme 2023. Collection method: clinical testing. Allele origin: germline.
Comment: The c.1457A>G (p.E486G) alteration is located in exon (coding exon ) of the HIPK2 gene. This alteration results from a A to G substitution at nucleotide position 1457, causing the glutamic acid (E) at amino acid position 486 to be replaced by a glycine (G). Based on insufficient or conflicting evidence, the clinical significance of this alteration remains unclear.

NM_022740.5(HIPK2):c.1457A>G (p.Glu486Gly)

Gene: HIPK2 (homeodomain interacting protein kinase 2; minus strand). Cytogenetic location: 7q34.
Variant type: single nucleotide variant.
Coding change: c.1457A>G on transcript NM_022740.5 (MANE Select); coding-DNA position 1457, A replaced by G.
Protein change: p.Glu486Gly; replaces glutamic acid 486 with glycine.
Molecular consequence: missense variant.
Genome position (GRCh38, 1-based): chr7:139,626,763, T>C on the plus strand (A>G on the coding strand, the complement: HIPK2 is on the minus strand). VCF-style: chr7-139626763-T-C. GRCh37 (hg19) VCF-style: chr7-139311509-T-C.
Other names: c.1457A>G, p.Glu486Gly (NM_001113239.3); short protein forms E486G.
Identifiers: ClinVar variation 4676192 (VCV004676192.1).